The following is an entry in ClinVar:

ClinVar aggregate classification (germline): Likely pathogenic. Review status: criteria provided, multiple submitters, no conflicts (2 of 4 stars). 2 submissions from 2 submitters: Likely pathogenic (2). Last evaluated 2025-09-10.

Conditions:
Schwartz-Jampel syndrome type 1 (SJS1). Also called: MYOTONIC MYOPATHY, DWARFISM, CHONDRODYSTROPHY, AND OCULAR AND FACIAL ABNORMALITIES; CHONDRODYSTROPHIC MYOTONIA. Identifiers: MedGen C4551479, MONDO:0100435, OMIM 255800.
Schwartz-Jampel syndrome. Also called: Myotonic myopathy dwarfism chondrodystrophy and ocular and facial abnormalities. Identifiers: Orphanet 800, MedGen C0036391, MONDO:0009717.

Allele frequency attached by ClinVar (database versions not stated): gnomAD exomes below 0.00001; TOPMed below 0.00001.
gnomAD v4.1: 2 of 1,607,504 alleles (0.00012%); highest among the groups gnomAD compares: Middle Eastern, 0.033%; no homozygotes.

Submissions (2):

Genomic Medicine Center of Excellence, King Faisal Specialist Hospital and Research Centre
Classification: Likely pathogenic for Schwartz-Jampel syndrome type 1. Last evaluated: 2025-09-10. Review status: criteria provided, single submitter. Criteria: ACMG Guidelines, 2015. Collection method: clinical testing. Allele origin: germline.

Baylor Genetics
Classification: Likely pathogenic for Schwartz-Jampel syndrome type 1. Last evaluated: 2020-09-15. Review status: criteria provided, single submitter. Criteria: ACMG Guidelines, 2015. Collection method: clinical testing. Allele origin: unknown. Affected: yes.
Comment: This variant was determined to be likely pathogenic according to ACMG Guidelines, 2015 [PMID:25741868].

NM_005529.7(HSPG2):c.9958T>C (p.Cys3320Arg)

Gene: HSPG2 (heparan sulfate proteoglycan 2; minus strand). Cytogenetic location: 1p36.12.
Variant type: single nucleotide variant.
Coding change: c.9958T>C on transcript NM_005529.7 (MANE Select); coding-DNA position 9958, T replaced by C.
Protein change: p.Cys3320Arg; replaces cysteine 3320 with arginine.
Molecular consequence: missense variant.
Genome position (GRCh38, 1-based): chr1:21,839,017, A>G on the plus strand (T>C on the coding strand, the complement: HSPG2 is on the minus strand). VCF-style: chr1-21839017-A-G. GRCh37 (hg19) VCF-style: chr1-22165510-A-G.
Other names: c.9961T>C, p.Cys3321Arg (NM_001291860.2); short protein forms C3321R, C3320R.
Identifiers: ClinVar variation 1029973 (VCV001029973.2), dbSNP rs2098038156, ClinGen allele CA338912144.